The following is an entry in ClinVar:

NM_001113378.2(FANCI):c.233C>T (p.Ser78Leu)

Gene: FANCI (FA complementation group I; plus strand). Cytogenetic location: 15q26.1.
Variant type: single nucleotide variant.
Coding change: c.233C>T on transcript NM_001113378.2 (MANE Select); coding-DNA position 233, C replaced by T.
Protein change: p.Ser78Leu; replaces serine 78 with leucine.
Molecular consequence: missense variant. On other transcripts: 5 prime UTR variant (1).
Genome position (GRCh38, 1-based): chr15:89,260,788, C>T. VCF-style: chr15-89260788-C-T. GRCh37 (hg19) VCF-style: chr15-89804019-C-T.
Other names: c.-47C>T (NM_001376910.1); c.233C>T, p.Ser78Leu (NM_001376911.1, NM_018193.3); short protein forms S78L.
Identifiers: ClinVar variation 997526 (VCV000997526.10), dbSNP rs754443451, ClinGen allele CA7722540.
Genomic context (GRCh38, chr15:89,260,788, plus strand): 5'-AGGAAGCTGGAACACTTAGGAGACGTAAGATATACACTTGTTGTATCCAGTTGGTGGAAT[C>T]GGGGGATTTGCAGAAAGAAATAGCGTCTGAGATCATAGGATTACTGATGCTGGAGGTAAG-3'
Protein context (NP_001106849.1, residues 68-88): IYTCCIQLVE[Ser78Leu]GDLQKEIASE

ClinVar aggregate classification (germline): Uncertain significance. Review status: criteria provided, multiple submitters, no conflicts (2 of 4 stars). 4 submissions from 4 submitters: Uncertain significance (4). Last evaluated 2025-08-21.

Conditions:
Fanconi anemia (FA). Also called: Fanconi's anemia. Identifiers: Orphanet 84, MedGen C0015625, MeSH D005199, MONDO:0019391.
Fanconi anemia complementation group I (FANCI). Also called: FANCI-Related Fanconi Anemia. Identifiers: Orphanet 84, MedGen C1836861, MONDO:0012186, OMIM 609053.

Allele frequency attached by ClinVar (database versions not stated): gnomAD exomes 0.00001 and 0.00005; gnomAD 0.00002 and 0.00001; ExAC 0.00003; TOPMed 0.00003.
gnomAD v4.1: 27 of 1,613,664 alleles (0.0017%); highest among the groups gnomAD compares: Admixed American, 0.017%; 1 homozygote.

Submissions (4):

Labcorp Genetics (formerly Invitae), Labcorp
Classification: Uncertain significance for Fanconi anemia. Last evaluated: 2025-08-21. Review status: criteria provided, single submitter. Criteria: Invitae Variant Classification Sherloc (09022015). Collection method: clinical testing. Allele origin: germline.
Comment: This sequence change replaces serine, which is neutral and polar, with leucine, which is neutral and non-polar, at codon 78 of the FANCI protein (p.Ser78Leu). This variant is present in population databases (rs754443451, gnomAD 0.03%). This variant has not been reported in the literature in individuals affected with FANCI-related conditions. ClinVar contains an entry for this variant (Variation ID: 997526). Invitae Evidence Modeling of protein sequence and biophysical properties (such as structural, functional, and spatial information, amino acid conservation, physicochemical variation, residue mobility, and thermodynamic stability) indicates that this missense variant is expected to disrupt FANCI protein function with a positive predictive value of 80%. In summary, the available evidence is currently insufficient to determine the role of this variant in disease. Therefore, it has been classified as a Variant of Uncertain Significance.

Fulgent Genetics
Classification: Uncertain significance for Fanconi anemia complementation group I. Last evaluated: 2022-02-05. Review status: criteria provided, single submitter. Criteria: ACMG Guidelines, 2015. Collection method: clinical testing. Allele origin: unknown.

Blueprint Genetics
Classification: Uncertain significance. Last evaluated: 2020-10-23. Review status: criteria provided, single submitter. Criteria: ACMG Guidelines, 2015. Collection method: clinical testing. Allele origin: germline.

Baylor Genetics
Classification: Uncertain significance for Fanconi anemia complementation group I. Last evaluated: 2019-10-12. Review status: criteria provided, single submitter. Criteria: ACMG Guidelines, 2015. Collection method: clinical testing. Allele origin: unknown. Affected: yes. Study: CSER-TexasKidsCanSeq.
Comment: This variant was determined to be of uncertain significance according to ACMG Guidelines, 2015 [PMID:25741868].